The following is an entry in ClinVar:

NM_004006.3(DMD):c.4831G>A (p.Val1611Ile)

Gene: DMD (dystrophin; minus strand). Cytogenetic location: Xp21.1.
Variant type: single nucleotide variant.
Coding change: c.4831G>A on transcript NM_004006.3 (MANE Select); coding-DNA position 4831, G replaced by A.
Protein change: p.Val1611Ile; replaces valine 1611 with isoleucine.
Molecular consequence: missense variant.
Genome position (GRCh38, 1-based): chrX:32,380,524, C>T on the plus strand (G>A on the coding strand, the complement: DMD is on the minus strand). VCF-style: chrX-32380524-C-T. GRCh37 (hg19) VCF-style: chrX-32398641-C-T.
Other names: c.4807G>A, p.Val1603Ile (NM_000109.4); c.4819G>A, p.Val1607Ile (NM_004009.3); c.4462G>A, p.Val1488Ile (NM_004010.3); c.808G>A, p.Val270Ile (NM_004011.4); c.799G>A, p.Val267Ile (NM_004012.4); short protein forms V1488I, V1611I, V1603I, V267I, V270I, V1607I.
Identifiers: ClinVar variation 1743438 (VCV001743438.3), dbSNP rs371634786, ClinGen allele CA412660974.

ClinVar aggregate classification (germline): Uncertain significance. Review status: criteria provided, multiple submitters, no conflicts (2 of 4 stars). 2 submissions from 2 submitters: Uncertain significance (2). Last evaluated 2023-02-02.

Conditions:
DMD-related disorder. Also called: DMD-related condition.
Cardiovascular phenotype. Identifiers: MedGen CN230736.

Submissions (2):

PreventionGenetics, part of Exact Sciences
Classification: Uncertain significance for DMD-related condition. Last evaluated: 2023-02-02. Review status: criteria provided, single submitter. Criteria: ACMG Guidelines, 2015. Collection method: clinical testing. Allele origin: germline.
Comment: The DMD c.4831G>A variant is predicted to result in the amino acid substitution p.Val1611Ile. To our knowledge, this variant has not been reported in the literature or in a large population database, indicating this variant is rare. At this time, the clinical significance of this variant is uncertain due to the absence of conclusive functional and genetic evidence.

Ambry Genetics
Classification: Uncertain significance for Cardiovascular phenotype. Last evaluated: 2021-05-26. Review status: criteria provided, single submitter. Criteria: Ambry Variant Classification Scheme 2023. Collection method: clinical testing. Allele origin: germline.
Comment: The p.V1611I variant (also known as c.4831G>A), located in coding exon 34 of the DMD gene, results from a G to A substitution at nucleotide position 4831. The valine at codon 1611 is replaced by isoleucine, an amino acid with highly similar properties. This amino acid position is not well conserved in available vertebrate species, and isoleucine is the reference amino acid in other vertebrate species. In addition, this alteration is predicted to be tolerated by in silico analysis. Since supporting evidence is limited at this time, the clinical significance of this alteration remains unclear.